The following is an entry in ClinVar:

ClinVar aggregate classification (germline): Uncertain significance (1 of 4 stars; one submission).

Conditions:
Nephronophthisis 9 (NPHP9). Identifiers: Orphanet 655, MedGen C3151188, MONDO:0013444, OMIM 613824.

gnomAD v4.1: 5 of 1,614,070 alleles (0.00031%); highest among the groups gnomAD compares: South Asian, 0.0022%; no homozygotes.

Submission:

Labcorp Genetics (formerly Invitae), Labcorp
Classification: Uncertain significance for Nephronophthisis 9. Last evaluated: 2022-08-03. Review status: criteria provided, single submitter. Criteria: Invitae Variant Classification Sherloc (09022015). Collection method: clinical testing. Allele origin: germline.
Comment: This sequence change replaces proline, which is neutral and non-polar, with arginine, which is basic and polar, at codon 692 of the NEK8 protein (p.Pro692Arg). This variant is present in population databases (no rsID available, gnomAD 0.003%). This variant has not been reported in the literature in individuals affected with NEK8-related conditions. Algorithms developed to predict the effect of missense changes on protein structure and function are either unavailable or do not agree on the potential impact of this missense change (SIFT: "Deleterious"; PolyPhen-2: "Probably Damaging"; Align-GVGD: "Class C0"). In summary, the available evidence is currently insufficient to determine the role of this variant in disease. Therefore, it has been classified as a Variant of Uncertain Significance.

NM_178170.3(NEK8):c.2075C>G (p.Pro692Arg)

Gene: NEK8 (NIMA related kinase 8; plus strand). Cytogenetic location: 17q11.2.
Variant type: single nucleotide variant.
Coding change: c.2075C>G on transcript NM_178170.3 (MANE Select); coding-DNA position 2075, C replaced by G.
Protein change: p.Pro692Arg; replaces proline 692 with arginine.
Molecular consequence: missense variant.
Genome position (GRCh38, 1-based): chr17:28,741,983, C>G. VCF-style: chr17-28741983-C-G. GRCh37 (hg19) VCF-style: chr17-27069001-C-G.
Other names: short protein forms P692R.
Identifiers: ClinVar variation 2038136 (VCV002038136.4), dbSNP rs992916399, ClinGen allele CA398361332.